The following is an entry in ClinVar:

ClinVar aggregate classification (germline): Pathogenic. Review status: criteria provided, multiple submitters, no conflicts (2 of 4 stars). 2 submissions from 2 submitters: Pathogenic (2). Last evaluated 2025-04-02.

Conditions:
Maple syrup urine disease (MSUD). Identifiers: Orphanet 511, MedGen C0024776, MeSH D008375, MONDO:0009563. Disease mechanism: loss of function.
Maple syrup urine disease type 1B (MSUD1B). Also called: MSUD type IB; MSUD type 3 (formerly); MSUD due to deficiency of e1-beta subunit of branched-chain alpha-keto acid dehydrogenase complex. Identifiers: MedGen C2930990, MONDO:0023692, OMIM 620698.

Allele frequency attached by ClinVar (database versions not stated): gnomAD exomes below 0.00001.

Submissions (2):

Myriad Genetics, Inc.
Classification: Pathogenic for Maple syrup urine disease type 1B. Last evaluated: 2025-04-02. Review status: criteria provided, single submitter. Criteria: Myriad Autosomal Dominant, Autosomal Recessive and X-Linked Classification Criteria (2023). Collection method: clinical testing. Allele origin: unknown.
Comment: NM_183050.2(BCKDHB):c.3G>A(M1?) is an initiation codon variant classified as pathogenic in the context of maple syrup urine disease type Ib. M1? has been observed in a case with relevant disease (PMID: 26257134). Relevant functional assessments of this variant are not available in the literature. M1? has not been observed in referenced population frequency databases. In summary, NM_183050.2(BCKDHB):c.3G>A(M1?) is an initiation codon variant that has been observed more frequently in cases with the relevant disease than in healthy populations. Please note: this variant was assessed in the context of healthy population screening.

Institute of Medical Genetics and Genomics, Sir Ganga Ram Hospital
Classification: Pathogenic for Maple syrup urine disease type 1A. Last evaluated: 2014-01-01. Review status: criteria provided, single submitter. Criteria: Submitter's publication. Collection method: research. Allele origin: germline. Affected: yes. Observed: 1 variant allele.
Comment: mutation at Initiation codon

Literature cited by the submitters: PubMed 26257134 (cited by Myriad Genetics, Inc.).

NM_183050.4(BCKDHB):c.3G>A (p.Met1Ile)

Gene: BCKDHB (branched chain keto acid dehydrogenase E1 subunit beta; plus strand). Cytogenetic location: 6q14.1.
Variant type: single nucleotide variant.
Coding change: c.3G>A on transcript NM_183050.4 (MANE Select); coding-DNA position 3, G replaced by A.
Protein change: p.Met1Ile; changes the start codon (methionine 1).
Molecular consequence: missense variant, initiator codon variant. On other transcripts: non-coding transcript variant (1), intron variant (1).
Genome position (GRCh38, 1-based): chr6:80,106,696, G>A. VCF-style: chr6-80106696-G-A. GRCh37 (hg19) VCF-style: chr6-80816413-G-A.
Other names: c.3G>A, p.Met1Ile (NM_000056.5); c.-15+13G>A (NM_001318975.1); short protein forms M1I.
Identifiers: ClinVar variation 224057 (VCV000224057.5), dbSNP rs869312128, ClinGen allele CA354923.
Genomic context (GRCh38, chr6:80,106,696, plus strand): 5'-GCCCTCCCCGCAGGCGGCGTGCGGCTGCATAGCCTGAGAATCCCGGTGGTGAGCGGGGAT[G>A]GCGGTTGTAGCGGCGGCTGCCGGCTGGCTACTCAGGCTCAGGGCGGCAGGGGCTGAGGGG-3'
Protein context (NP_898871.1, residues 1-11): [Met1Ile]AVVAAAAGWL